The following is an entry in ClinVar:

ClinVar aggregate classification (germline): Pathogenic (1 of 4 stars; one submission).

Conditions:
Hereditary breast ovarian cancer syndrome. Also called: BRCA1- and BRCA2-Associated Hereditary Breast and Ovarian Cancer; Hereditary breast and/or ovarian cancer syndrome; Hereditary breast and ovarian cancer syndrome; Hereditary breast and ovarian cancer syndrome (HBOC); Breast and ovarian cancer; Hereditary breast and ovarian cancer. Identifiers: Orphanet 145, MedGen C0677776, MeSH D061325, MONDO:0003582. Disease mechanism: loss of function.

Submission:

Labcorp Genetics (formerly Invitae), Labcorp
Classification: Pathogenic for Hereditary breast ovarian cancer syndrome. Last evaluated: 2024-02-06. Review status: criteria provided, single submitter. Criteria: Invitae Variant Classification Sherloc (09022015). Collection method: clinical testing. Allele origin: germline.
Comment: This sequence change creates a premature translational stop signal (p.Val409*) in the BRCA1 gene. It is expected to result in an absent or disrupted protein product. Loss-of-function variants in BRCA1 are known to be pathogenic (PMID: 20104584). This variant is not present in population databases (gnomAD no frequency). This premature translational stop signal has been observed in individual(s) with ovarian cancer (PMID: 31368036). For these reasons, this variant has been classified as Pathogenic.

Literature cited by the submitters: PubMed 20104584; PubMed 31368036.

NM_007294.4(BRCA1):c.1221del (p.Lys408_Val409insTer)

Gene: BRCA1 (BRCA1 DNA repair associated; minus strand). Cytogenetic location: 17q21.31.
Variant type: Deletion.
Coding change: c.1221del on transcript NM_007294.4 (MANE Select); coding-DNA position 1221, one base deleted (C; older notation c.1221delC).
Protein change: p.Lys408_Val409insTer.
Molecular consequence: frameshift variant. On other transcripts: intron variant (137).
Genome position (GRCh38, 1-based): chr17:43,094,310, G deleted on the plus strand (C on the coding strand, the reverse complement: BRCA1 is on the minus strand); the first of 2 consecutive G bases (chr17:43,094,310-43,094,311); deleting either gives the same sequence. VCF-style (leftmost placement, unchanged base first): chr17-43094309-TG-T. GRCh37 (hg19) VCF-style: chr17-41246326-TG-T.
Other names: c.664+434del (NM_001408440.1, NM_001408428.1, NM_001408441.1 and 12 more transcripts); c.787+434del (NM_001407981.1, NM_007298.4, NM_001407978.1 and 19 more transcripts); c.670+1536del (NM_001408418.1, NM_001408423.1, NM_001408420.1 and 2 more transcripts); c.643+434del (NM_001408462.1, NM_001408470.1, NM_001408464.1 and 3 more transcripts); c.709+434del (NM_001408414.1, NM_001408411.1, NM_001408412.1 and 2 more transcripts); c.577+434del (NM_001408485.1, NM_001408514.1, NM_001408481.1 and 9 more transcripts); c.661+434del (NM_001408447.1, NM_001408433.1, NM_001408446.1 and 6 more transcripts); c.784+434del (NM_001408400.1, NM_001408392.1, NM_001407972.1 and 13 more transcripts); and 40 more.
Identifiers: ClinVar variation 3639212 (VCV003639212.2).
Genomic context (GRCh38, chr17:43,094,309, plus strand): 5'-TCTCTGAAGAACCAGAATATTCATCTACCTCATTTAGAACGTCCAATACATCAGCTACTT[TG>T]GCATTTGATTCAGACTCCCCATCATGTGAGTCATCAGAACCTAACAGTTCATCACTTCTG-3'